The following is an entry in ClinVar:

ClinVar aggregate classification (germline): Pathogenic/Likely pathogenic. Review status: criteria provided, multiple submitters, no conflicts (2 of 4 stars). 4 submissions from 4 submitters: Pathogenic (2); Likely pathogenic (2). Last evaluated 2025-11-06.

Conditions:
Bardet-Biedl syndrome (BBS). Identifiers: Orphanet 110, MedGen C0752166, MONDO:0015229.
Bardet-Biedl syndrome 9 (BBS9). Identifiers: Orphanet 110, MedGen C1859567, MONDO:0014437, OMIM 615986.
BBS9-related disorder. Also called: BBS9-related condition.

Allele frequency attached by ClinVar (database versions not stated): gnomAD exomes below 0.00001; TOPMed 0.00002; gnomAD 0.00006.
gnomAD v4.1: 12 of 1,613,224 alleles (0.00074%); highest among the groups gnomAD compares: African/African-American, 0.013%; no homozygotes.

Submissions (4):

PreventionGenetics, part of Exact Sciences
Classification: Likely pathogenic for BBS9-related condition. Last evaluated: 2025-11-06. Review status: criteria provided, single submitter. Criteria: ACMG Guidelines, 2015. Collection method: clinical testing. Allele origin: germline.
Comment: The BBS9 c.966G>A variant is predicted to result in premature protein termination (p.Trp322*). This variant has not been reported in the literature in individuals with Bardet-Biedl syndrome. This variant is reported in 0.0040% of alleles in individuals of African descent in gnomAD. Nonsense variants in BBS9 are expected to be pathogenic. This variant is interpreted as likely pathogenic.

Labcorp Genetics (formerly Invitae), Labcorp
Classification: Pathogenic for Bardet-Biedl syndrome. Last evaluated: 2025-06-12. Review status: criteria provided, single submitter. Criteria: Invitae Variant Classification Sherloc (09022015). Collection method: clinical testing. Allele origin: germline.
Comment: This sequence change creates a premature translational stop signal (p.Trp322*) in the BBS9 gene. It is expected to result in an absent or disrupted protein product. Loss-of-function variants in BBS9 are known to be pathogenic (PMID: 16380913, 20177705). This variant is present in population databases (no rsID available, gnomAD 0.004%). This premature translational stop signal has been observed in individual(s) with Bardet-Biedl syndrome (PMID: 32686083). ClinVar contains an entry for this variant (Variation ID: 2055946). For these reasons, this variant has been classified as Pathogenic.

Fulgent Genetics
Classification: Likely pathogenic for Bardet-Biedl syndrome 9. Last evaluated: 2024-04-30. Review status: criteria provided, single submitter. Criteria: ACMG Guidelines, 2015. Collection method: clinical testing. Allele origin: germline.

Blueprint Genetics
Classification: Pathogenic for BBS9-related disorders. Last evaluated: 2022-03-11. Review status: criteria provided, single submitter. Criteria: ACMG Guidelines, 2015. Collection method: clinical testing. Allele origin: germline. Affected: yes. Observed: 2 variant alleles.

Literature cited by the submitters: PubMed 16380913 (cited by Labcorp Genetics (formerly Invitae), Labcorp); PubMed 20177705 (cited by Labcorp Genetics (formerly Invitae), Labcorp); PubMed 32686083 (cited by Labcorp Genetics (formerly Invitae), Labcorp).

NM_198428.3(BBS9):c.966G>A (p.Trp322Ter)

Gene: BBS9 (Bardet-Biedl syndrome 9; plus strand). Cytogenetic location: 7p14.3.
Variant type: single nucleotide variant.
Coding change: c.966G>A on transcript NM_198428.3 (MANE Select); coding-DNA position 966, G replaced by A.
Protein change: p.Trp322Ter; replaces tryptophan 322 with a stop codon.
Molecular consequence: nonsense. On other transcripts: non-coding transcript variant (3).
Genome position (GRCh38, 1-based): chr7:33,273,906, G>A. VCF-style: chr7-33273906-G-A. GRCh37 (hg19) VCF-style: chr7-33313518-G-A.
Other names: c.966G>A, p.Trp322Ter (NM_001033604.2, NM_001033605.2, NM_001348036.1 and 7 more transcripts); c.600G>A, p.Trp200Ter (NM_001348037.3, NM_001348044.3, NM_001348045.3 and 1 more transcripts); c.693G>A, p.Trp231Ter (NM_001348038.3, NM_001348039.3); c.831G>A, p.Trp277Ter (NM_001348042.3); c.966G>A (NM_198428.2); short protein forms W200*, W277*, W322*, W231*.
Identifiers: ClinVar variation 2055946 (VCV002055946.11), dbSNP rs928813600, ClinGen allele CA156720023.